The following is an entry in ClinVar:

NM_144631.6(ZNF513):c.776G>A (p.Gly259Glu)

Gene: ZNF513 (zinc finger protein 513; minus strand). Cytogenetic location: 2p23.3.
Variant type: single nucleotide variant.
Coding change: c.776G>A on transcript NM_144631.6 (MANE Select); coding-DNA position 776, G replaced by A.
Protein change: p.Gly259Glu; replaces glycine 259 with glutamic acid.
Molecular consequence: missense variant.
Genome position (GRCh38, 1-based): chr2:27,378,490, C>T on the plus strand (G>A on the coding strand, the complement: ZNF513 is on the minus strand). VCF-style: chr2-27378490-C-T. GRCh37 (hg19) VCF-style: chr2-27601357-C-T.
Other names: c.590G>A, p.Gly197Glu (NM_001201459.2); short protein forms G259E, G197E.
Identifiers: ClinVar variation 4779289 (VCV004779289.1).

ClinVar aggregate classification (germline): Uncertain significance (1 of 4 stars; one submission).

Submission:

Labcorp Genetics (formerly Invitae), Labcorp
Classification: Uncertain significance. Last evaluated: 2025-03-29. Review status: criteria provided, single submitter. Criteria: Invitae Variant Classification Sherloc (09022015). Collection method: clinical testing. Allele origin: germline.
Comment: This sequence change replaces glycine, which is neutral and non-polar, with glutamic acid, which is acidic and polar, at codon 259 of the ZNF513 protein (p.Gly259Glu). This variant is present in population databases (rs764369285, gnomAD 0.0009%). This variant has not been reported in the literature in individuals affected with ZNF513-related conditions. An algorithm developed to predict the effect of missense changes on protein structure and function (PolyPhen-2) suggests that this variant is likely to be disruptive. In summary, the available evidence is currently insufficient to determine the role of this variant in disease. Therefore, it has been classified as a Variant of Uncertain Significance.